The following is an entry in ClinVar:

ClinVar aggregate classification (germline): Conflicting classifications of pathogenicity. Review status: criteria provided, conflicting classifications (1 of 4 stars). 3 submissions from 3 submitters: Uncertain significance (1); Likely benign (1). 1 of the submissions does not count toward it. Last evaluated 2023-11-27.

Conditions:
PTPRO-related disorder. Also called: PTPRO-related condition.

Allele frequency attached by ClinVar (database versions not stated): gnomAD 0.00017 and 0.00018; TOPMed 0.00022; ESP Exome Variant Server 0.00023; gnomAD exomes 0.00024 and 0.00037; ExAC 0.00039; 1000 Genomes Project 30x 0.00047; 1000 Genomes Project 0.00060.
gnomAD v4.1: 387 of 1,613,658 alleles (0.024%); highest among the groups gnomAD compares: South Asian, 0.085%; 1 homozygote.

Submissions (3):

Labcorp Genetics (formerly Invitae), Labcorp
Classification: Uncertain significance. Last evaluated: 2023-11-27. Review status: criteria provided, single submitter. Criteria: Invitae Variant Classification Sherloc (09022015). Collection method: clinical testing. Allele origin: germline.
Comment: This sequence change replaces threonine, which is neutral and polar, with methionine, which is neutral and non-polar, at codon 658 of the PTPRO protein (p.Thr658Met). This variant is present in population databases (rs150159022, gnomAD 0.2%). This variant has not been reported in the literature in individuals affected with PTPRO-related conditions. ClinVar contains an entry for this variant (Variation ID: 668247). An algorithm developed to predict the effect of missense changes on protein structure and function (PolyPhen-2) suggests that this variant¬†is likely to be tolerated. In summary, the available evidence is currently insufficient to determine the role of this variant in disease. Therefore, it has been classified as a Variant of Uncertain Significance.

GeneDx
Classification: Likely benign. Last evaluated: 2018-05-30. Review status: criteria provided, single submitter. Criteria: GeneDx Variant Classification (06012015). Collection method: clinical testing. Allele origin: germline. Affected: yes.
Comment: This variant is considered likely benign or benign based on one or more of the following criteria: it is a conservative change, it occurs at a poorly conserved position in the protein, it is predicted to be benign by multiple in silico algorithms, and/or has population frequency not consistent with disease.

PreventionGenetics, part of Exact Sciences
Classification: Likely benign for PTPRO-related condition. Last evaluated: 2022-04-19. Review status: no assertion criteria provided. Collection method: clinical testing. Allele origin: germline. Not counted in ClinVar's aggregate classification.
Comment: This variant is classified as likely benign based on ACMG/AMP sequence variant interpretation guidelines (Richards et al. 2015 PMID: 25741868, with internal and published modifications).

NM_030667.3(PTPRO):c.1973C>T (p.Thr658Met)

Gene: PTPRO (protein tyrosine phosphatase receptor type O; plus strand). Cytogenetic location: 12p12.3.
Variant type: single nucleotide variant.
Coding change: c.1973C>T on transcript NM_030667.3 (MANE Select); coding-DNA position 1973, C replaced by T.
Protein change: p.Thr658Met; replaces threonine 658 with methionine.
Molecular consequence: missense variant.
Genome position (GRCh38, 1-based): chr12:15,524,895, C>T. VCF-style: chr12-15524895-C-T. GRCh37 (hg19) VCF-style: chr12-15677829-C-T.
Other names: c.1973C>T, p.Thr658Met (NM_002848.4); short protein forms T658M.
Identifiers: ClinVar variation 668247 (VCV000668247.6), dbSNP rs150159022, ClinGen allele CA6466684.